The following is an entry in ClinVar:

NM_000466.3(PEX1):c.3068C>G (p.Ser1023Cys)

Genes: GATAD1 (GATA zinc finger domain containing 1; plus strand), PEX1 (peroxisomal biogenesis factor 1; minus strand). Cytogenetic location: 7q21.2.
Variant type: single nucleotide variant.
Coding change: c.3068C>G on transcript NM_000466.3 (MANE Select); coding-DNA position 3068, C replaced by G.
Protein change: p.Ser1023Cys; replaces serine 1023 with cysteine.
Molecular consequence: missense variant.
Genome position (GRCh38, 1-based): chr7:92,493,092, G>C on the plus strand (C>G on the coding strand, the complement: PEX1 is on the minus strand). VCF-style: chr7-92493092-G-C. GRCh37 (hg19) VCF-style: chr7-92122406-G-C.
Other names: c.2897C>G, p.Ser966Cys (NM_001282677.2); c.2444C>G, p.Ser815Cys (NM_001282678.2); short protein forms S815C, S966C, S1023C.
Identifiers: ClinVar variation 956901 (VCV000956901.14), dbSNP rs547203417, ClinGen allele CA4340907.

ClinVar aggregate classification (germline): Uncertain significance. Review status: criteria provided, multiple submitters, no conflicts (2 of 4 stars). 3 submissions from 3 submitters: Uncertain significance (2). 1 of the submissions does not count toward it. Last evaluated 2024-10-23.

Conditions:
Zellweger spectrum disorders (ZS). Also called: Zellweger Spectrum Disorder; Zellweger Spectrum; Zellweger syndrome; Zellweger Spectrum Disorder (ZSD). Identifiers: Orphanet 912, MedGen C0043459, MONDO:0019609.

Allele frequency attached by ClinVar (database versions not stated): ExAC 0.00001; gnomAD 0.00001; gnomAD exomes 0.00003; 1000 Genomes Project 30x 0.00016; 1000 Genomes Project 0.00020.
gnomAD v4.1: 8 of 1,612,034 alleles (0.0005%); highest among the groups gnomAD compares: Admixed American, 0.0083%; no homozygotes.

Submissions (3):

ARUP Laboratories, Molecular Genetics and Genomics, ARUP Laboratories
Classification: Uncertain significance. Last evaluated: 2024-10-23. Review status: criteria provided, single submitter. Criteria: ARUP Molecular Germline Variant Investigation Process 2024. Collection method: clinical testing. Allele origin: germline.
Comment: The PEX1 c.3068C>G;p.Ser1023Cys variant (rs547203417), to our knowledge, is not reported in the medical literature but is reported in ClinVar (Variation ID: 956901). This variant is only observed on seven alleles in the Genome Aggregation Database (v2.1.1), indicating it is not a common polymorphism. Computational analyses predict that this variant is deleterious (REVEL: 0.705). Due to limited information, the clinical significance of this variant is uncertain at this time.

Labcorp Genetics (formerly Invitae), Labcorp
Classification: Uncertain significance for Zellweger spectrum disorders. Last evaluated: 2024-10-16. Review status: criteria provided, single submitter. Criteria: Invitae Variant Classification Sherloc (09022015). Collection method: clinical testing. Allele origin: germline.
Comment: This sequence change replaces serine, which is neutral and polar, with cysteine, which is neutral and slightly polar, at codon 1023 of the PEX1 protein (p.Ser1023Cys). This variant is present in population databases (rs547203417, gnomAD 0.02%). This variant has not been reported in the literature in individuals affected with PEX1-related conditions. ClinVar contains an entry for this variant (Variation ID: 956901). Invitae Evidence Modeling of protein sequence and biophysical properties (such as structural, functional, and spatial information, amino acid conservation, physicochemical variation, residue mobility, and thermodynamic stability) has been performed for this missense variant. However, the output from this modeling did not meet the statistical confidence thresholds required to predict the impact of this variant on PEX1 protein function. In summary, the available evidence is currently insufficient to determine the role of this variant in disease. Therefore, it has been classified as a Variant of Uncertain Significance.

Natera, Inc.
Classification: Uncertain significance for Zellweger syndrome. Last evaluated: 2020-12-04. Review status: no assertion criteria provided. Collection method: clinical testing. Allele origin: germline. Not counted in ClinVar's aggregate classification.